The following is an entry in ClinVar:

ClinVar aggregate classification (germline): Uncertain significance (1 of 4 stars; one submission).

Conditions:
POLD1-related polyposis and colorectal cancer syndrome (CRCS10). Also called: Colorectal cancer 10; COLORECTAL CANCER, SUSCEPTIBILITY TO, ON CHROMOSOME 19q; Colorectal cancer, susceptibility to, 10. Identifiers: Orphanet 220460, MedGen C2675481, MONDO:0012953, OMIM 612591.

Submission:

Labcorp Genetics (formerly Invitae), Labcorp
Classification: Uncertain significance for POLD1-related polyposis and colorectal cancer syndrome. Last evaluated: 2023-06-09. Review status: criteria provided, single submitter. Criteria: Invitae Variant Classification Sherloc (09022015). Collection method: clinical testing. Allele origin: germline.
Comment: This sequence change creates a premature translational stop signal (p.Lys738Thrfs*149) in the POLD1 gene. Missense variants that disrupt the 3'-5' exonuclease (proof-reading) activity of the POLD1 protein are associated with PPAP (polymerase proofreading–associated polyposis) (PMID: 23263490, 23447401). However, loss-of-function variants that result in an absent or severely disrupted POLD1 protein, and missense variants outside the exonuclease domain, are unlikely to be associated with PPAP. This variant is not present in population databases (gnomAD no frequency). This variant has not been reported in the literature in individuals affected with POLD1-related conditions. ClinVar contains an entry for this variant (Variation ID: 1950041). In summary, the available evidence is currently insufficient to determine the role of this variant in disease. Therefore, it has been classified as a Variant of Uncertain Significance.

Literature cited by the submitters: PubMed 23263490; PubMed 23447401.

NM_002691.4(POLD1):c.2213_2216del (p.Lys738fs)

Gene: POLD1 (DNA polymerase delta 1, catalytic subunit; plus strand). Cytogenetic location: 19q13.33.
Variant type: Deletion.
Coding change: c.2213_2216del on transcript NM_002691.4 (MANE Select); coding-DNA positions 2213 to 2216, 4 bases deleted (AGTA; older notation c.2213_2216delAGTA).
Protein change: p.Lys738fs; shifts the reading frame from lysine 738.
Molecular consequence: frameshift variant. On other transcripts: non-coding transcript variant (1).
Genome position (GRCh38, 1-based): chr19:50,413,484-50,413,487, AGTA deleted; deleting any 4 consecutive bases within chr19:50,413,482-50,413,487 gives the same sequence; the c. name uses the placement nearest the transcript's 3' end. VCF-style (leftmost placement, unchanged base first): chr19-50413481-CTAAG-C. GRCh37 (hg19) VCF-style: chr19-50916738-CTAAG-C.
Other names: c.2213_2216del, p.Lys738fs (NM_001256849.1); c.2291_2294del, p.Lys764fs (NM_001308632.1); short protein forms K738fs, K764fs.
Identifiers: ClinVar variation 1950041 (VCV001950041.5), dbSNP rs2514035861, ClinGen allele CA2580097722.